The following is an entry in ClinVar:

ClinVar aggregate classification (germline): Uncertain significance. Review status: criteria provided, single submitter (1 of 4 stars). 2 submissions from 2 submitters: Uncertain significance (1). 1 of the submissions does not count toward it. Last evaluated 2023-08-28.

Conditions:
MAGEL2-related disorder. Also called: MAGEL2-related condition.
Prader-Willi syndrome (PWS). Identifiers: Orphanet 739, MedGen C0032897, MONDO:0008300, OMIM 176270. Disease mechanism: Microdeletion, loss of function. Inheritance: Microdletion.
Schaaf-Yang syndrome (SHFYNG). Also called: MAGEL2-related Prader-Willi-like syndrome; Arthrogryposis, distal, with hypopituitarism, intellectual disability, and facial anomalies. Identifiers: Orphanet 398069, MedGen C5575066, MONDO:0014243, OMIM 615547.

gnomAD v4.1: 2 of 1,613,920 alleles (0.00012%); highest among the groups gnomAD compares: Non-Finnish European, 0.00017%; no homozygotes.

Submissions (2):

Department of Pathology and Laboratory Medicine, Sinai Health System
Classification: Uncertain significance for Prader-Willi syndrome; Schaaf-Yang syndrome. Last evaluated: 2023-08-28. Review status: criteria provided, single submitter. Criteria: ACMG Guidelines, 2015. Collection method: research. Allele origin: germline.

PreventionGenetics, part of Exact Sciences
Classification: Uncertain significance for MAGEL2-related condition. Last evaluated: 2024-05-12. Review status: no assertion criteria provided. Collection method: clinical testing. Allele origin: germline. Not counted in ClinVar's aggregate classification.
Comment: The MAGEL2 c.2503C>T variant is predicted to result in the amino acid substitution p.Pro835Ser. To our knowledge, this variant has not been reported in the literature. This variant is reported in 0.00089% of alleles in individuals of European (Non-Finnish) descent in gnomAD. At this time, the clinical significance of this variant is uncertain due to the absence of conclusive functional and genetic evidence.

NM_019066.5(MAGEL2):c.2503C>T (p.Pro835Ser)

Gene: MAGEL2 (MAGE family member L2; minus strand). Cytogenetic location: 15q11.2.
Variant type: single nucleotide variant.
Coding change: c.2503C>T on transcript NM_019066.5 (MANE Select); coding-DNA position 2503, C replaced by T.
Protein change: p.Pro835Ser; replaces proline 835 with serine.
Molecular consequence: missense variant.
Genome position (GRCh38, 1-based): chr15:23,645,240, G>A on the plus strand (C>T on the coding strand, the complement: MAGEL2 is on the minus strand). VCF-style: chr15-23645240-G-A. GRCh37 (hg19) VCF-style: chr15-23890387-G-A.
Other names: short protein forms P835S.
Identifiers: ClinVar variation 3344761 (VCV003344761.2).